The following is an entry in ClinVar:

NM_017780.4(CHD7):c.1085T>C (p.Met362Thr)

Gene: CHD7 (chromodomain helicase DNA binding protein 7; plus strand). Cytogenetic location: 8q12.2.
Variant type: single nucleotide variant.
Coding change: c.1085T>C on transcript NM_017780.4 (MANE Select); coding-DNA position 1085, T replaced by C.
Protein change: p.Met362Thr; replaces methionine 362 with threonine.
Molecular consequence: missense variant.
Genome position (GRCh38, 1-based): chr8:60,742,517, T>C. VCF-style: chr8-60742517-T-C. GRCh37 (hg19) VCF-style: chr8-61655076-T-C.
Other names: c.1085T>C, p.Met362Thr (NM_001316690.1); short protein forms M362T.
Identifiers: ClinVar variation 1337823 (VCV001337823.6), dbSNP rs748181926, ClinGen allele CA4759427.
Genomic context (GRCh38, chr8:60,742,517, plus strand): 5'-AGTCCGTACCAAGATACCCCAATGCTGTAGGATTCCCATCAAACAGTGGTCAAGGACTAA[T>C]GCACCAGCAGCCCATCCACCCCAGTGGCTCACTTAACCAAATGAACACACAAACTATGCA-3'
Protein context (NP_060250.2, residues 352-372): GFPSNSGQGL[Met362Thr]HQQPIHPSGS

ClinVar aggregate classification (germline): Conflicting classifications of pathogenicity. Review status: criteria provided, conflicting classifications (1 of 4 stars). 2 submissions from 2 submitters: Uncertain significance (1); Likely benign (1). Last evaluated 2024-04-03.

Conditions:
CHARGE syndrome (CHARGE). Also called: Hittner Hirsch Kreh syndrome; CHARGE ASSOCIATION--COLOBOMA, HEART ANOMALY, CHOANAL ATRESIA, RETARDATION, GENITAL AND EAR ANOMALIES; Coloboma, heart anomaly, choanal atresia, retardation, genital and ear anomalies; CHARGE association; Hall-Hittner syndrome. Identifiers: Orphanet 138, MedGen C0265354, MONDO:0008965.

Allele frequency attached by ClinVar (database versions not stated): TOPMed below 0.00001; gnomAD exomes 0.00001; ExAC 0.00002.
gnomAD v4.1: 15 of 1,614,030 alleles (0.00093%); highest among the groups gnomAD compares: Admixed American, 0.0017%; no homozygotes.

Submissions (2):

Labcorp Genetics (formerly Invitae), Labcorp
Classification: Likely benign for CHARGE syndrome. Last evaluated: 2024-04-03. Review status: criteria provided, single submitter. Criteria: Invitae Variant Classification Sherloc (09022015). Collection method: clinical testing. Allele origin: germline.

Genetic Services Laboratory, University of Chicago
Classification: Uncertain significance. Last evaluated: 2021-01-29. Review status: criteria provided, single submitter. Criteria: ACMG Guidelines, 2015. Collection method: clinical testing. Allele origin: germline. Affected: no.
Comment: This sequence change does not appear to have been previously described in patients with CHD7-related disorders and has been described in the gnomAD database in two heterozygous individuals which corresponds to the population frequency of 0.00080%(dbSNP rs748181926). The p.Met362Thr change affects a highly conserved amino acid residue located in a domain of the CHD7 protein that is not known to be functional. The p.Met362Thr substitution appears to be benign using several in-silico pathogenicity prediction tools (SIFT, PolyPhen2, Align GVGD, REVEL). Due to these contrasting evidences and the lack of functional studies, the clinical significance of the p.Met362Thr change remains unknown at this time.